The following is an entry in ClinVar:

ClinVar aggregate classification (germline): Pathogenic (1 of 4 stars; one submission).

Submission:

CeGaT Center for Human Genetics Tuebingen
Classification: Pathogenic. Last evaluated: 2024-06-01. Review status: criteria provided, single submitter. Criteria: CeGaT Center For Human Genetics Tuebingen Variant Classification Criteria Version 2. Collection method: clinical testing. Allele origin: germline. Affected: yes. Observed: 1 variant allele.
Comment: SCN1A: PVS1, PM2

NM_001165963.4(SCN1A):c.449del (p.Pro150fs)

Gene: SCN1A (sodium voltage-gated channel alpha subunit 1; minus strand). Cytogenetic location: 2q24.3.
Variant type: Deletion.
Coding change: c.449del on transcript NM_001165963.4 (MANE Select); coding-DNA position 449, one base deleted (C; older notation c.449delC).
Protein change: p.Pro150fs; shifts the reading frame from proline 150.
Molecular consequence: frameshift variant. On other transcripts: 5 prime UTR variant (1), non-coding transcript variant (1).
Genome position (GRCh38, 1-based): chr2:166,056,435, G deleted on the plus strand (C on the coding strand, the reverse complement: SCN1A is on the minus strand); the first of 3 consecutive G bases (chr2:166,056,435-166,056,437); deleting any one gives the same sequence. VCF-style (leftmost placement, unchanged base first): chr2-166056434-AG-A. GRCh37 (hg19) VCF-style: chr2-166912944-AG-A.
Other names: c.449del, p.Pro150fs (NM_001165964.3, NM_001202435.3, NM_001353948.2 and 10 more transcripts); c.-1977del (NM_001353961.2); short protein forms P150fs.
Identifiers: ClinVar variation 3250997 (VCV003250997.18), dbSNP rs2468258318.